The following is an entry in ClinVar:

NM_004415.4(DSP):c.2643G>A (p.Leu881=)

Gene: DSP (desmoplakin; plus strand). Cytogenetic location: 6p24.3.
Variant type: single nucleotide variant.
Coding change: c.2643G>A on transcript NM_004415.4 (MANE Select); coding-DNA position 2643, G replaced by A.
Protein change: p.Leu881=; no amino-acid change (leucine 881 retained).
Molecular consequence: synonymous variant.
Genome position (GRCh38, 1-based): chr6:7,576,306, G>A. VCF-style: chr6-7576306-G-A. GRCh37 (hg19) VCF-style: chr6-7576539-G-A.
Other names: c.2643G>A (LRG_423t1); c.2643G>A, p.Leu881= (NM_001008844.3, NM_001319034.2).
Identifiers: ClinVar variation 379261 (VCV000379261.5), dbSNP rs1057520546, ClinGen allele CA16605590.

ClinVar aggregate classification (germline): Likely benign. Review status: criteria provided, multiple submitters, no conflicts (2 of 4 stars). 3 submissions from 3 submitters: Likely benign (3). Last evaluated 2023-10-09.

Conditions:
Arrhythmogenic right ventricular dysplasia 8 (ARVD8). Also called: Arrhythmogenic Right Ventricular Dysplasia/Cardiomyopathy 8; ARRHYTHMOGENIC RIGHT VENTRICULAR CARDIOMYOPATHY 8; ARRHYTHMOGENIC RIGHT VENTRICULAR DYSPLASIA, FAMILIAL, 8. Identifiers: MedGen C1843896, MONDO:0011831, OMIM 607450.
Arrhythmogenic cardiomyopathy with wooly hair and keratoderma. Also called: Carvajal syndrome; Dilated cardiomyopathy with woolly hair and keratoderma; Arrhythmogenic cardiomyopathy with woolly hair and keratoderma; PALMOPLANTAR KERATODERMA WITH LEFT VENTRICULAR CARDIOMYOPATHY AND WOOLLY HAIR. Identifiers: Orphanet 65282, MedGen C1854063, MONDO:0011581, OMIM 605676.

Allele frequency attached by ClinVar (database versions not stated): TOPMed below 0.00001.

Submissions (3):

Labcorp Genetics (formerly Invitae), Labcorp
Classification: Likely benign for Arrhythmogenic cardiomyopathy with wooly hair and keratoderma; Arrhythmogenic right ventricular dysplasia 8. Last evaluated: 2023-10-09. Review status: criteria provided, single submitter. Criteria: Invitae Variant Classification Sherloc (09022015). Collection method: clinical testing. Allele origin: germline.

All of Us Research Program, National Institutes of Health
Classification: Likely benign for Arrhythmogenic cardiomyopathy with wooly hair and keratoderma. Last evaluated: 2023-10-06. Review status: criteria provided, single submitter. Criteria: ACMG Guidelines, 2015. Collection method: clinical testing. Allele origin: germline. Inheritance: Autosomal dominant inheritance. Observed: 1 variant allele, 1 heterozygote.
Comment: This study involves interpretation of variants in research participants for the purpose of population health screening. Participant phenotype was not available at the time of variant classification. Additional details can be found in publication PMID: 35346344, PMCID: PMC8962531

GeneDx
Classification: Likely benign. Last evaluated: 2015-12-17. Review status: criteria provided, single submitter. Criteria: GeneDx Variant Classification (06012015). Collection method: clinical testing. Allele origin: germline. Affected: yes.
Comment: This variant is considered likely benign or benign based on one or more of the following criteria: it is a conservative change, it occurs at a poorly conserved position in the protein, it is predicted to be benign by multiple in silico algorithms, and/or has population frequency not consistent with disease.